The following is an entry in ClinVar:

ClinVar aggregate classification (germline): Uncertain significance. Review status: criteria provided, multiple submitters, no conflicts (2 of 4 stars). 2 submissions from 2 submitters: Uncertain significance (2). Last evaluated 2025-10-28.

Conditions:
Idiopathic Pulmonary Fibrosis. Also called: Idiopathic fibrosing alveolitis, chronic form; idiopathic fibrosing alveolitis. Identifiers: Orphanet 2032, MedGen C1800706, MeSH D054990, MONDO:0800504.
Dyskeratosis congenita, autosomal dominant 2. Identifiers: MedGen C3151443, MONDO:0013521, OMIM 613989.

Submissions (2):

Labcorp Genetics (formerly Invitae), Labcorp
Classification: Uncertain significance for Dyskeratosis congenita, autosomal dominant 2; Idiopathic Pulmonary Fibrosis. Last evaluated: 2025-10-28. Review status: criteria provided, single submitter. Criteria: Invitae Variant Classification Sherloc (09022015). Collection method: clinical testing. Allele origin: germline.
Comment: This sequence change replaces proline, which is neutral and non-polar, with alanine, which is neutral and non-polar, at codon 404 of the TERT protein (p.Pro404Ala). This variant is not present in population databases (gnomAD no frequency). This variant has not been reported in the literature in individuals affected with TERT-related conditions. ClinVar contains an entry for this variant (Variation ID: 576272). Invitae Evidence Modeling of protein sequence and biophysical properties (such as structural, functional, and spatial information, amino acid conservation, physicochemical variation, residue mobility, and thermodynamic stability) has been performed for this missense variant. However, the output from this modeling did not meet the statistical confidence thresholds required to predict the impact of this variant on TERT protein function. In summary, the available evidence is currently insufficient to determine the role of this variant in disease. Therefore, it has been classified as a Variant of Uncertain Significance.

Baylor Genetics
Classification: Uncertain significance for Dyskeratosis congenita, autosomal dominant 2. Last evaluated: 2023-10-18. Review status: criteria provided, single submitter. Criteria: ACMG Guidelines, 2015. Collection method: clinical testing. Allele origin: unknown.

NM_198253.3(TERT):c.1210C>G (p.Pro404Ala)

Gene: TERT (telomerase reverse transcriptase; minus strand). Cytogenetic location: 5p15.33.
Variant type: single nucleotide variant.
Coding change: c.1210C>G on transcript NM_198253.3 (MANE Select); coding-DNA position 1210, C replaced by G.
Protein change: p.Pro404Ala; replaces proline 404 with alanine.
Molecular consequence: missense variant. On other transcripts: non-coding transcript variant (2).
Genome position (GRCh38, 1-based): chr5:1,293,676, G>C on the plus strand (C>G on the coding strand, the complement: TERT is on the minus strand). VCF-style: chr5-1293676-G-C. GRCh37 (hg19) VCF-style: chr5-1293791-G-C.
Other names: c.1210C>G, p.Pro404Ala (NM_001193376.3); short protein forms P404A.
Identifiers: ClinVar variation 576272 (VCV000576272.10), dbSNP rs1561213668, ClinGen allele CA359086531.
Genomic context (GRCh38, chr5:1,293,676, plus strand): 5'-CGGCTGCTGGGGTGACCGCAGCTCGCAGCGGGCAGTGCGTCTTGAGGAGCACCCCGTAGG[G>C]GCACTGCGCGTGGTTCCCAAGCAGCTCCAGAAACAGGGGCCGCATTTGCCAGTAGCGCTG-3'
Protein context (NP_937983.2, residues 394-414): LELLGNHAQC[Pro404Ala]YGVLLKTHCP